The following is an entry in ClinVar:

NM_000368.5(TSC1):c.17del (p.Asn6fs)

Gene: TSC1 (TSC complex subunit 1; minus strand). Cytogenetic location: 9q34.13.
Variant type: Deletion.
Coding change: c.17del on transcript NM_000368.5 (MANE Select); coding-DNA position 17, one base deleted (A; older notation c.17delA).
Protein change: p.Asn6fs; shifts the reading frame from asparagine 6.
Molecular consequence: frameshift variant. On other transcripts: 5 prime UTR variant (1).
Genome position (GRCh38, 1-based): chr9:132,928,856, T deleted on the plus strand (A on the coding strand, the reverse complement: TSC1 is on the minus strand); the first of 3 consecutive T bases (chr9:132,928,856-132,928,858); deleting any one gives the same sequence. VCF-style (leftmost placement, unchanged base first): chr9-132928855-AT-A. GRCh37 (hg19) VCF-style: chr9-135804242-AT-A.
Other names: p.Asn6Metfs*20; c.17del, p.Asn6fs (NM_001162426.2, NM_001162427.2); c.-243del (NM_001362177.2); short protein forms N6fs.
Identifiers: ClinVar variation 1072813 (VCV001072813.8), dbSNP rs2132297010, ClinGen allele CA2499219746.

ClinVar aggregate classification (germline): Pathogenic. Review status: criteria provided, multiple submitters, no conflicts (2 of 4 stars). 2 submissions from 2 submitters: Pathogenic (2). Last evaluated 2025-02-14.

Conditions:
Tuberous sclerosis 1 (TSC1). Identifiers: Orphanet 805, MedGen C1854465, MONDO:0008612, OMIM 191100.

Submissions (2):

Mayo Clinic Laboratories, Mayo Clinic
Classification: Pathogenic. Last evaluated: 2025-02-14. Review status: criteria provided, single submitter. Criteria: ACMG Guidelines, 2015. Collection method: clinical testing. Allele origin: germline. Observed: 1 variant allele.
Comment: PP4, PM2_supporting, PVS1

Labcorp Genetics (formerly Invitae), Labcorp
Classification: Pathogenic for Tuberous sclerosis 1. Last evaluated: 2020-10-21. Review status: criteria provided, single submitter. Criteria: Invitae Variant Classification Sherloc (09022015). Collection method: clinical testing. Allele origin: germline.
Comment: This variant has not been reported in the literature in individuals with TSC1-related conditions. This variant is not present in population databases (ExAC no frequency). This sequence change creates a premature translational stop signal (p.Asn6Metfs*20) in the TSC1 gene. It is expected to result in an absent or disrupted protein product. Loss-of-function variants in TSC1 are known to be pathogenic (PMID: 10227394, 17304050). For these reasons, this variant has been classified as Pathogenic.

Literature cited by the submitters: PubMed 10227394 (cited by Labcorp Genetics (formerly Invitae), Labcorp); PubMed 17304050 (cited by Labcorp Genetics (formerly Invitae), Labcorp).